The following is an entry in ClinVar:

ClinVar aggregate classification (germline): Uncertain significance (1 of 4 stars; one submission).

Conditions:
Familial intrahepatic cholestasis. Identifiers: Orphanet 284385, MedGen CN296401, MONDO:0017290.

Submission:

Genomenon, Inc
Classification: Uncertain significance for Familial intrahepatic cholestasis. Last evaluated: 2026-04-14. Review status: criteria provided, single submitter. Criteria: Genomenon Sequence Variant Interpretation Standards - Updated. Collection method: curation. Allele origin: germline. Affected: yes.
Comment: ABCB11 p.Val501Gly (c.1502T>G) is a missense variant that changes the amino acid at residue 501 from Valine to Glycine. This variant has been observed in at least one proband with an ABCB11-related disorder (PMID:30210030). It has been observed in trans with a pathogenic or likely pathogenic variant (PMID:30210030). It is absent or not present at a significant frequency in gnomAD. In silico models predict that this variant is possibly or probably damaging. In conclusion, we classify ABCB11 p.Val501Gly (c.1502T>G) as a variant of uncertain significance.

Literature cited by the submitters: PubMed 30210030.

NM_003742.4(ABCB11):c.1502T>G (p.Val501Gly)

Gene: ABCB11 (ATP binding cassette subfamily B member 11; minus strand). Cytogenetic location: 2q31.1.
Variant type: single nucleotide variant.
Coding change: c.1502T>G on transcript NM_003742.4 (MANE Select); coding-DNA position 1502, T replaced by G.
Protein change: p.Val501Gly; replaces valine 501 with glycine.
Molecular consequence: missense variant.
Genome position (GRCh38, 1-based): chr2:168,971,983, A>C on the plus strand (T>G on the coding strand, the complement: ABCB11 is on the minus strand). VCF-style: chr2-168971983-A-C. GRCh37 (hg19) VCF-style: chr2-169828493-A-C.
Other names: short protein forms V501G.
Identifiers: ClinVar variation 4846207 (VCV004846207.1).